The following is an entry in ClinVar:

ClinVar aggregate classification (germline): Uncertain significance. Review status: criteria provided, multiple submitters, no conflicts (2 of 4 stars). 2 submissions from 2 submitters: Uncertain significance (2). Last evaluated 2024-04-12.

Conditions:
Frontotemporal dementia and/or amyotrophic lateral sclerosis 1 (FTDALS1). Also called: Frontotemporal dementia with motor neuron disease 1; C9orf72 Frontotemporal Dementia and/or Amyotrophic Lateral Sclerosis. Identifiers: Orphanet 275872, MedGen C5779877, MONDO:0007105, OMIM 105550.
Paget disease of bone 2, early-onset (PDB2). Also called: Paget disease of bone 2. Identifiers: MedGen C4085251, MONDO:0011183, OMIM 602080.
Frontotemporal dementia and/or amyotrophic lateral sclerosis 3. Also called: FTDALS3. Identifiers: Orphanet 275864, Orphanet 275872, Orphanet 803, MedGen C4225326, MONDO:0014640, OMIM 616437.

Allele frequency attached by ClinVar (database versions not stated): gnomAD exomes 0.00002; ExAC 0.00003.

Submissions (2):

Labcorp Genetics (formerly Invitae), Labcorp
Classification: Uncertain significance for Paget disease of bone 2, early-onset; Frontotemporal dementia and/or amyotrophic lateral sclerosis 1. Last evaluated: 2024-04-12. Review status: criteria provided, single submitter. Criteria: Invitae Variant Classification Sherloc (09022015). Collection method: clinical testing. Allele origin: germline.
Comment: This sequence change replaces aspartic acid, which is acidic and polar, with asparagine, which is neutral and polar, at codon 149 of the SQSTM1 protein (p.Asp149Asn). This variant is present in population databases (rs772687435, gnomAD 0.003%). This variant has not been reported in the literature in individuals affected with SQSTM1-related conditions. ClinVar contains an entry for this variant (Variation ID: 2154966). Advanced modeling of protein sequence and biophysical properties (such as structural, functional, and spatial information, amino acid conservation, physicochemical variation, residue mobility, and thermodynamic stability) performed at Invitae indicates that this missense variant is expected to disrupt SQSTM1 protein function with a positive predictive value of 80%. In summary, the available evidence is currently insufficient to determine the role of this variant in disease. Therefore, it has been classified as a Variant of Uncertain Significance.

Genomic Medicine Center of Excellence, King Faisal Specialist Hospital and Research Centre
Classification: Uncertain significance for Frontotemporal dementia and/or amyotrophic lateral sclerosis 3. Last evaluated: 2024-04-04. Review status: criteria provided, single submitter. Criteria: ACMG Guidelines, 2015. Collection method: clinical testing. Allele origin: germline.

NM_003900.5(SQSTM1):c.445G>A (p.Asp149Asn)

Gene: SQSTM1 (sequestosome 1; plus strand). Cytogenetic location: 5q35.3.
Variant type: single nucleotide variant.
Coding change: c.445G>A on transcript NM_003900.5 (MANE Select); coding-DNA position 445, G replaced by A.
Protein change: p.Asp149Asn; replaces aspartic acid 149 with asparagine.
Molecular consequence: missense variant.
Genome position (GRCh38, 1-based): chr5:179,824,001, G>A. VCF-style: chr5-179824001-G-A. GRCh37 (hg19) VCF-style: chr5-179251001-G-A.
Other names: c.193G>A, p.Asp65Asn (NM_001142298.2, NM_001142299.2); short protein forms D149N, D65N.
Identifiers: ClinVar variation 2154966 (VCV002154966.5), dbSNP rs772687435, ClinGen allele CA3600510.